The following is an entry in ClinVar:

NM_001267550.2(TTN):c.43372del (p.Asp14458fs)

Gene: TTN (titin; minus strand). Cytogenetic location: 2q31.2.
Variant type: Deletion.
Coding change: c.43372del on transcript NM_001267550.2 (MANE Select); coding-DNA position 43372, one base deleted (G; older notation c.43372delG).
Protein change: p.Asp14458fs; shifts the reading frame from aspartic acid 14458.
Molecular consequence: frameshift variant.
Genome position (GRCh38, 1-based): chr2:178,632,634, C deleted on the plus strand (G on the coding strand, the reverse complement: TTN is on the minus strand); the first of 2 consecutive C bases (chr2:178,632,634-178,632,635); deleting either gives the same sequence. VCF-style (leftmost placement, unchanged base first): chr2-178632633-TC-T. GRCh37 (hg19) VCF-style: chr2-179497360-TC-T.
Other names: c.38449del, p.Asp12817fs (NM_001256850.1); c.16177del, p.Asp5393fs (NM_003319.4); c.35668del, p.Asp11890fs (NM_133378.4); c.16552del, p.Asp5518fs (NM_133432.3); c.16753del, p.Asp5585fs (NM_133437.4); short protein forms D11890fs, D14458fs, D5393fs, D12817fs, D5585fs, D5518fs.
Identifiers: ClinVar variation 2950538 (VCV002950538.3), dbSNP rs794729314, ClinGen allele CA309399.

ClinVar aggregate classification (germline): Likely pathogenic (1 of 4 stars; one submission).

Conditions:
Dilated cardiomyopathy 1G (CMD1G). Identifiers: Orphanet 154, MedGen C1858763, MONDO:0011400, OMIM 604145.
Autosomal recessive limb-girdle muscular dystrophy type 2J (LGMDR10). Also called: Limb-girdle muscular dystrophy, type 2J; MUSCULAR DYSTROPHY, LIMB-GIRDLE, AUTOSOMAL RECESSIVE 10. Identifiers: Orphanet 140922, MedGen C1837342, MONDO:0012127, OMIM 608807.

Submission:

Labcorp Genetics (formerly Invitae), Labcorp
Classification: Likely pathogenic for Dilated cardiomyopathy 1G; Autosomal recessive limb-girdle muscular dystrophy type 2J. Last evaluated: 2024-11-04. Review status: criteria provided, single submitter. Criteria: Invitae Variant Classification Sherloc (09022015). Collection method: clinical testing. Allele origin: germline.
Comment: This sequence change creates a premature translational stop signal (p.Asp14458Metfs*8) in the TTN gene. While this is not anticipated to result in nonsense mediated decay, it is expected to create a truncated TTN protein. This variant is not present in population databases (gnomAD no frequency). This variant has not been reported in the literature in individuals affected with TTN-related conditions. ClinVar contains an entry for this variant (Variation ID: 2950538). This variant is located in the I band of TTN (PMID: 25589632). Truncating variants in this region have been reported in individuals affected with autosomal recessive centronuclear myopathy (PMID: 23975875, internal data). Truncating variants in this region have also been identified in individuals affected with autosomal dominant dilated cardiomyopathy and/or cardio-related conditions (PMID: 27869827, 32964742, internal data). In summary, the currently available evidence indicates that the variant is pathogenic, but additional data are needed to prove that conclusively. Therefore, this variant has been classified as Likely Pathogenic.

Literature cited by the submitters: PubMed 25589632; PubMed 23975875; PubMed 27869827; PubMed 32964742.